The following is an entry in ClinVar:

NM_001165963.4(SCN1A):c.558T>C (p.Leu186=)

Gene: SCN1A (sodium voltage-gated channel alpha subunit 1; minus strand). Cytogenetic location: 2q24.3.
Variant type: single nucleotide variant.
Coding change: c.558T>C on transcript NM_001165963.4 (MANE Select); coding-DNA position 558, T replaced by C.
Protein change: p.Leu186=; no amino-acid change (leucine 186 retained).
Molecular consequence: synonymous variant. On other transcripts: 5 prime UTR variant (1), non-coding transcript variant (1).
Genome position (GRCh38, 1-based): chr2:166,054,682, A>G on the plus strand (T>C on the coding strand, the complement: SCN1A is on the minus strand). VCF-style: chr2-166054682-A-G. GRCh37 (hg19) VCF-style: chr2-166911192-A-G.
Other names: c.558T>C (NM_001202435.1); c.558T>C, p.Leu186= (NM_001165964.3, NM_001202435.3, NM_001353948.2 and 10 more transcripts); c.-1868T>C (NM_001353961.2).
Identifiers: ClinVar variation 508691 (VCV000508691.20), dbSNP rs539168834, ClinGen allele CA1943490.

ClinVar aggregate classification (germline): Benign/Likely benign. Review status: criteria provided, multiple submitters, no conflicts (2 of 4 stars). 5 submissions from 5 submitters: Benign (1); Likely benign (3). 1 of the submissions does not count toward it. Last evaluated 2026-01-01.

Conditions:
Early-infantile DEE. Also called: Early infantile epileptic encephalopathy; Ohtahara syndrome; Early infantile epileptic encephalopathy with suppression bursts. Identifiers: Orphanet 1934, MedGen C0393706, MONDO:0800491.
SCN1A-related disorder. Also called: SCN1A-related conditions; SCN1A-related condition; SCN1A-related disorders.

Allele frequency attached by ClinVar (database versions not stated): gnomAD 0.00001 and 0.00004; TOPMed 0.00002; gnomAD exomes 0.00004 and 0.00010; ExAC 0.00012; 1000 Genomes Project 30x 0.00016; 1000 Genomes Project 0.00020.
gnomAD v4.1: 62 of 1,612,426 alleles (0.0038%); highest among the groups gnomAD compares: South Asian, 0.067%; no homozygotes.

Submissions (5):

CeGaT Center for Human Genetics Tuebingen
Classification: Likely benign. Last evaluated: 2026-01-01. Review status: criteria provided, single submitter. Criteria: CeGaT Center For Human Genetics Tuebingen Variant Classification Criteria Version 2. Collection method: clinical testing. Allele origin: germline. Affected: yes. Observed: 1 variant allele.
Comment: SCN1A: BP4, BP7

Labcorp Genetics (formerly Invitae), Labcorp
Classification: Benign for Early-infantile DEE. Last evaluated: 2025-11-09. Review status: criteria provided, single submitter. Criteria: Invitae Variant Classification Sherloc (09022015). Collection method: clinical testing. Allele origin: germline.

Blueprint Genetics
Classification: Likely benign. Last evaluated: 2022-02-16. Review status: criteria provided, single submitter. Criteria: ACMG Guidelines, 2015. Collection method: clinical testing. Allele origin: germline.

GeneDx
Classification: Likely benign. Last evaluated: 2018-12-21. Review status: criteria provided, single submitter. Criteria: GeneDx Variant Classification Process June 2021. Collection method: clinical testing. Allele origin: germline. Affected: yes.

PreventionGenetics, part of Exact Sciences
Classification: Likely benign for SCN1A-related condition. Last evaluated: 2020-07-29. Review status: no assertion criteria provided. Collection method: clinical testing. Allele origin: germline. Not counted in ClinVar's aggregate classification.
Comment: This variant is classified as likely benign based on ACMG/AMP sequence variant interpretation guidelines (Richards et al. 2015 PMID: 25741868, with internal and published modifications).